The following is an entry in ClinVar:

NM_002439.5(MSH3):c.3091G>A (p.Gly1031Arg)

Gene: MSH3 (mutS homolog 3; plus strand). Cytogenetic location: 5q14.1.
Variant type: single nucleotide variant.
Coding change: c.3091G>A on transcript NM_002439.5 (MANE Select); coding-DNA position 3091, G replaced by A.
Protein change: p.Gly1031Arg; replaces glycine 1031 with arginine.
Molecular consequence: missense variant.
Genome position (GRCh38, 1-based): chr5:80,864,903, G>A. VCF-style: chr5-80864903-G-A. GRCh37 (hg19) VCF-style: chr5-80160722-G-A.
Other names: short protein forms G1031R.
Identifiers: ClinVar variation 4824382 (VCV004824382.1).

ClinVar aggregate classification (germline): Uncertain significance (1 of 4 stars; one submission).

Conditions:
Hereditary cancer-predisposing syndrome. Also called: Neoplastic Syndromes, Hereditary; Hereditary neoplastic syndrome; Tumor predisposition; Hereditary Cancer Syndrome. Identifiers: Orphanet 140162, MedGen C0027672, MeSH D009386, MONDO:0015356.

Submission:

Ambry Genetics
Classification: Uncertain significance for Hereditary cancer-predisposing syndrome. Last evaluated: 2026-02-12. Review status: criteria provided, single submitter. Criteria: Ambry Variant Classification Scheme 2023. Collection method: clinical testing. Allele origin: germline.
Comment: The p.G1031R variant (also known as c.3091G>A), located in coding exon 22 of the MSH3 gene, results from a G to A substitution at nucleotide position 3091. The glycine at codon 1031 is replaced by arginine, an amino acid with dissimilar properties. This amino acid position is not well conserved in available vertebrate species. In addition, the in silico prediction for this alteration is inconclusive. Based on the available evidence, the clinical significance of this variant remains unclear.